The following is an entry in ClinVar:

NC_000016.9:g.(?_89871693)_(89878808_?)del

Gene: FANCA (FA complementation group A; minus strand). Cytogenetic location: 16q24.3.
Variant type: Deletion.
Identifiers: ClinVar variation 3243299 (VCV003243299.1).

ClinVar aggregate classification (germline): Pathogenic (1 of 4 stars; one submission).

Conditions:
Fanconi anemia (FA). Also called: Fanconi's anemia. Identifiers: Orphanet 84, MedGen C0015625, MeSH D005199, MONDO:0019391.

Submission:

Labcorp Genetics (formerly Invitae), Labcorp
Classification: Pathogenic for Fanconi anemia. Last evaluated: 2019-03-24. Review status: criteria provided, single submitter. Criteria: Invitae Variant Classification Sherloc (09022015). Collection method: clinical testing. Allele origin: unknown.
Comment: For these reasons, this variant has been classified as Pathogenic. Loss-of-function variants in FANCA are known to be pathogenic (PMID: 19367192). Similar deletions described as deletion of exons 4-7 have been observed in individuals with clinical features of Fanconi anemia (PMID:¬†29098742, 26799702, Invitae). This variant is a deletion of the genomic region encompassing exons 4-6 and part of exon 7 (c.284-1329_704del) of the FANCA gene. It is expected to disrupt RNA splicing and likely results in an absent or disrupted protein product.

Literature cited by the submitters: PubMed 19367192.